The following is an entry in ClinVar:

ClinVar aggregate classification (germline): Likely pathogenic (1 of 4 stars; one submission).

Conditions:
Autosomal dominant nonsyndromic hearing loss 12. Also called: DEAFNESS, AUTOSOMAL DOMINANT 8. Identifiers: Orphanet 90635, MedGen C1832187, MONDO:0011102, OMIM 601543.

Allele frequency attached by ClinVar (database versions not stated): gnomAD exomes below 0.00001.
gnomAD v4.1: 1 of 1,614,204 alleles (0.000062%); highest among the groups gnomAD compares: African/African-American, 0.0013%; no homozygotes.

Submission:

Institute of Human Genetics, University of Goettingen
Classification: Likely pathogenic for Autosomal dominant nonsyndromic hearing loss 12. Last evaluated: 2020-03-26. Review status: criteria provided, single submitter. Criteria: ACMG Guidelines, 2015. Collection method: clinical testing. Allele origin: germline. Inheritance: Autosomal dominant inheritance. Affected: yes. Observed: 1 variant allele, 1 heterozygote.
Comment: This variant is absent from control studies, it is predicted to be damaging as it affects a highly conserved amino acid in a functional domain of the protein. In summary and using ACMG criteria PM1, PM2, PM5, PP2, PP3 we classify this variant as Likely Pathogenic.

NM_005422.4(TECTA):c.5510G>A (p.Cys1837Tyr)

Genes: TBCEL-TECTA (TBCEL-TECTA readthrough; plus strand), TECTA (tectorin alpha; plus strand). Cytogenetic location: 11q23.3.
Variant type: single nucleotide variant.
Coding change: c.5510G>A on transcript NM_005422.4 (MANE Select); coding-DNA position 5510, G replaced by A.
Protein change: p.Cys1837Tyr; replaces cysteine 1837 with tyrosine.
Molecular consequence: missense variant.
Genome position (GRCh38, 1-based): chr11:121,166,704, G>A. VCF-style: chr11-121166704-G-A. GRCh37 (hg19) VCF-style: chr11-121037413-G-A.
Other names: c.6452G>A, p.Cys2151Tyr (NM_001378761.1); short protein forms C1837Y, C2151Y.
Identifiers: ClinVar variation 1027366 (VCV001027366.3), dbSNP rs1947056659, ClinGen allele CA383034573.
Genomic context (GRCh38, chr11:121,166,704, plus strand): 5'-AGTGCAAGCTCTTCCAGCTCGGTTTTGAGAGGGAGGGCGTGAGGATCAATGACAGACAGT[G>A]CACCGGCATCGAGGGGGAAGATTTTATCTCCTTTCAGATCAACAACACCAAAGGGAATTG-3'
Protein context (NP_005413.2, residues 1827-1847): REGVRINDRQ[Cys1837Tyr]TGIEGEDFIS